The following is an entry in ClinVar:

NM_206933.4(USH2A):c.4246dup (p.Ser1416fs)

Genes: USH2A (usherin; minus strand), USH2A-AS1 (USH2A antisense RNA 1; plus strand). Cytogenetic location: 1q41.
Variant type: Duplication.
Coding change: c.4246dup on transcript NM_206933.4 (MANE Select); coding-DNA position 4246, one base duplicated (T; older notation c.4246dupT).
Protein change: p.Ser1416fs; shifts the reading frame from serine 1416.
Molecular consequence: frameshift variant.
Genome position (GRCh38, 1-based): chr1:216,196,558, A duplicated on the plus strand (T on the coding strand, the reverse complement: USH2A is on the minus strand); the first of 4 consecutive A bases (chr1:216,196,558-216,196,561); duplicating any one gives the same sequence. VCF-style (leftmost placement, unchanged base first): chr1-216196557-G-GA. GRCh37 (hg19) VCF-style: chr1-216369899-G-GA.
Other names: c.4246dup, p.Ser1416fs (NM_007123.6); short protein forms S1416fs.
Identifiers: ClinVar variation 1453227 (VCV001453227.7), dbSNP rs2102460254, ClinGen allele CA2573130626.

ClinVar aggregate classification (germline): Pathogenic/Likely pathogenic. Review status: criteria provided, multiple submitters, no conflicts (2 of 4 stars). 2 submissions from 2 submitters: Pathogenic (1); Likely pathogenic (1). Last evaluated 2023-09-17.

Conditions:
USH2A-related disorder. Also called: USH2A-related disorders; USH2A-related condition. Identifiers: MedGen CN239332.

Submissions (2):

Labcorp Genetics (formerly Invitae), Labcorp
Classification: Pathogenic. Last evaluated: 2023-09-17. Review status: criteria provided, single submitter. Criteria: Invitae Variant Classification Sherloc (09022015). Collection method: clinical testing. Allele origin: germline.
Comment: This sequence change creates a premature translational stop signal (p.Ser1416Phefs*8) in the USH2A gene. It is expected to result in an absent or disrupted protein product. Loss-of-function variants in USH2A are known to be pathogenic (PMID: 10729113, 10909849, 20507924, 25649381). This variant is not present in population databases (gnomAD no frequency). This variant has not been reported in the literature in individuals affected with USH2A-related conditions. ClinVar contains an entry for this variant (Variation ID: 1453227). For these reasons, this variant has been classified as Pathogenic.

Blueprint Genetics
Classification: Likely pathogenic for USH2A-related disorders. Last evaluated: 2023-07-24. Review status: criteria provided, single submitter. Criteria: ACMG Guidelines, 2015. Collection method: clinical testing. Allele origin: germline. Affected: yes. Observed: 2 variant alleles.

Literature cited by the submitters: PubMed 10729113 (cited by Labcorp Genetics (formerly Invitae), Labcorp); PubMed 10909849 (cited by Labcorp Genetics (formerly Invitae), Labcorp); PubMed 20507924 (cited by Labcorp Genetics (formerly Invitae), Labcorp); PubMed 25649381 (cited by Labcorp Genetics (formerly Invitae), Labcorp).